The following is an entry in ClinVar:

NM_016219.5(MAN1B1):c.2065G>T (p.Glu689Ter)

Gene: MAN1B1 (mannosidase alpha class 1B member 1; plus strand). Cytogenetic location: 9q34.3.
Variant type: single nucleotide variant.
Coding change: c.2065G>T on transcript NM_016219.5 (MANE Select); coding-DNA position 2065, G replaced by T.
Protein change: p.Glu689Ter; replaces glutamic acid 689 with a stop codon.
Molecular consequence: nonsense. On other transcripts: non-coding transcript variant (2).
Genome position (GRCh38, 1-based): chr9:137,108,556, G>T. VCF-style: chr9-137108556-G-T. GRCh37 (hg19) VCF-style: chr9-140003008-G-T.
Other names: short protein forms E689*.
Identifiers: ClinVar variation 3363104 (VCV003363104.2).

ClinVar aggregate classification (germline): Pathogenic (1 of 4 stars; one submission).

Conditions:
Rafiq syndrome (RAFQS). Identifiers: Orphanet 88616, MedGen C3280127, MONDO:0013624, OMIM 614202.

Submission:

Kasturba Medical College, Manipal, Kasturba Medical College, Manipal, Manipal Academy of Higher Education, Manipal, India
Classification: Pathogenic for Rafiq syndrome. Review status: criteria provided, single submitter. Criteria: ACMG Guidelines, 2015. Collection method: clinical testing. Allele origin: biparental. Inheritance: Autosomal recessive inheritance. Affected: yes. Observed: 1 homozygote.
Comment: In-silico tools (CADD_phred, GERP, MutationTaster) are predicting the variant to be affecting the MAN1B1 protein function. This variant is likely to result in premature truncation of the transcript which can lead to either nonsense-mediated mRNA decay or the formation of a truncated MAN1B1 protein product. The clinical features observed in the proband are in concordance with Rafiq syndrome.